The following is an entry in ClinVar:

NM_001166108.2(PALLD):c.*150C>A

Genes: CBR4 (carbonyl reductase 4; minus strand), PALLD (palladin, cytoskeletal associated protein; plus strand). Cytogenetic location: 4q32.3.
Variant type: single nucleotide variant.
Coding change: c.*150C>A on transcript NM_001166108.2 (MANE Select); 150 bases downstream of the stop codon, C replaced by A.
Molecular consequence: 3 prime UTR variant. On other transcripts: missense variant (4).
Genome position (GRCh38, 1-based): chr4:168,926,330, C>A. VCF-style: chr4-168926330-C-A. GRCh37 (hg19) VCF-style: chr4-169847481-C-A.
Other names: c.2279C>A, p.Ala760Asp (NM_001166109.2); c.1964C>A, p.Ala655Asp (NM_001166110.2); c.*150C>A (NM_001367567.1, NM_001367570.1, NM_016081.4); c.1355C>A, p.Ala452Asp (NM_001367568.1); c.1304C>A, p.Ala435Asp (NM_001367569.1); short protein forms A435D, A655D, A452D, A760D.
Identifiers: ClinVar variation 3927523 (VCV003927523.1).
Genomic context (GRCh38, chr4:168,926,330, plus strand): 5'-GTCGCTATGCAGCACTTTCGGACCAGGGACTAGACATCAAAGCAGCGTTCCAACCTGAGG[C>A]CAACCCATCTCACCTGACACTGAATACTGCCTTGGTAGAAAGTGAGGACCTGTAATCCAG-3'

ClinVar aggregate classification (germline): Uncertain significance (1 of 4 stars; one submission).

Submission:

Ambry Genetics
Classification: Uncertain significance. Last evaluated: 2025-04-03. Review status: criteria provided, single submitter. Criteria: Ambry Variant Classification Scheme 2023. Collection method: clinical testing. Allele origin: germline.
Comment: The p.A655D variant (also known as c.1964C>A), located in coding exon 11 of the PALLD gene, results from a C to A substitution at nucleotide position 1964. The alanine at codon 655 is replaced by aspartic acid, an amino acid with dissimilar properties. This amino acid position is conserved. In addition, this alteration is predicted to be tolerated by in silico analysis. Based on the available evidence, the clinical significance of this variant remains unclear.